The following is an entry in ClinVar:

NM_001278064.2(GRM1):c.3036C>T (p.Gly1012=)

Gene: GRM1 (glutamate metabotropic receptor 1; plus strand). Cytogenetic location: 6q24.3.
Variant type: single nucleotide variant.
Coding change: c.3036C>T on transcript NM_001278064.2 (MANE Select); coding-DNA position 3036, C replaced by T.
Protein change: p.Gly1012=; no amino-acid change (glycine 1012 retained).
Molecular consequence: synonymous variant. On other transcripts: 3 prime UTR variant (3).
Genome position (GRCh38, 1-based): chr6:146,434,247, C>T. VCF-style: chr6-146434247-C-T. GRCh37 (hg19) VCF-style: chr6-146755383-C-T.
Other names: c.*400C>T (NM_001278065.2); c.*365C>T (NM_001278066.1); c.*274C>T (NM_001278067.1).
Identifiers: ClinVar variation 744278 (VCV000744278.32), dbSNP rs533435048, ClinGen allele CA4037600.

ClinVar aggregate classification (germline): Likely benign. Review status: criteria provided, multiple submitters, no conflicts (2 of 4 stars). 3 submissions from 3 submitters: Likely benign (3). Last evaluated 2024-10-24.

Allele frequency attached by ClinVar (database versions not stated): gnomAD 0.00001 and 0.00003; TOPMed 0.00003; gnomAD exomes 0.00006 and 0.00012; ExAC 0.00011; 1000 Genomes Project 30x 0.00016; 1000 Genomes Project 0.00020.
gnomAD v4.1: 93 of 1,601,816 alleles (0.0058%); highest among the groups gnomAD compares: South Asian, 0.077%; 1 homozygote.

Submissions (3):

Blueprint Genetics
Classification: Likely benign. Last evaluated: 2024-10-24. Review status: criteria provided, single submitter. Criteria: ACMG Guidelines, 2015. Collection method: clinical testing. Allele origin: germline.

CeGaT Center for Human Genetics Tuebingen
Classification: Likely benign. Last evaluated: 2023-06-01. Review status: criteria provided, single submitter. Criteria: CeGaT Center For Human Genetics Tuebingen Variant Classification Criteria Version 2. Collection method: clinical testing. Allele origin: germline. Affected: yes. Observed: 1 variant allele.
Comment: GRM1: BP4

Labcorp Genetics (formerly Invitae), Labcorp
Classification: Likely benign. Last evaluated: 2022-06-15. Review status: criteria provided, single submitter. Criteria: Invitae Variant Classification Sherloc (09022015). Collection method: clinical testing. Allele origin: germline.